The following is an entry in ClinVar:

NM_000020.3(ACVRL1):c.1494G>T (p.Lys498Asn)

Gene: ACVRL1 (activin A receptor like type 1; plus strand). Cytogenetic location: 12q13.13.
Variant type: single nucleotide variant.
Coding change: c.1494G>T on transcript NM_000020.3 (MANE Select); coding-DNA position 1494, G replaced by T.
Protein change: p.Lys498Asn; replaces lysine 498 with asparagine.
Molecular consequence: missense variant.
Genome position (GRCh38, 1-based): chr12:51,920,875, G>T. VCF-style: chr12-51920875-G-T. GRCh37 (hg19) VCF-style: chr12-52314659-G-T.
Other names: c.1494G>T, p.Lys498Asn (NM_001077401.2, NM_001406487.1); c.1338G>T, p.Lys446Asn (NM_001406490.1); c.1182G>T, p.Lys394Asn (NM_001406491.1, NM_001406492.1); c.984G>T, p.Lys328Asn (NM_001406494.1); c.930G>T, p.Lys310Asn (NM_001406495.1); short protein forms K310N, K328N, K394N, K446N, K498N.
Identifiers: ClinVar variation 3384845 (VCV003384845.1).

ClinVar aggregate classification (germline): Uncertain significance (1 of 4 stars; one submission).

Submission:

Women's Health and Genetics/Laboratory Corporation of America, LabCorp
Classification: Uncertain significance. Last evaluated: 2024-10-08. Review status: criteria provided, single submitter. Criteria: LabCorp Variant Classification Summary - May 2015. Collection method: clinical testing. Allele origin: germline.
Comment: Variant summary: ACVRL1 c.1494G>T (p.Lys498Asn) results in a non-conservative amino acid change in the encoded protein sequence. Three of five in-silico tools predict a benign effect of the variant on protein function. The variant was absent in 250422 control chromosomes (gnomAD). The available data on variant occurrences in the general population are insufficient to allow any conclusion about variant significance. To our knowledge, no occurrence of c.1494G>T in individuals affected with Hereditary Hemorrhagic Telangiectasia and no experimental evidence demonstrating its impact on protein function have been reported. No submitters have cited clinical-significance assessments for this variant to ClinVar. Based on the evidence outlined above, the variant was classified as uncertain significance.